The following is an entry in ClinVar:

NM_144999.4(LRRC45):c.1669-3C>T

Gene: LRRC45 (leucine rich repeat containing 45; plus strand). Cytogenetic location: 17q25.3.
Variant type: single nucleotide variant.
Coding change: c.1669-3C>T on transcript NM_144999.4 (MANE Select); 3 bases into the intron before coding-DNA position 1669, C replaced by T.
Molecular consequence: intron variant.
Genome position (GRCh38, 1-based): chr17:82,030,316, C>T. VCF-style: chr17-82030316-C-T. GRCh37 (hg19) VCF-style: chr17-79988192-C-T.
Identifiers: ClinVar variation 4983594 (VCV004983594.1).
Genomic context (GRCh38, chr17:82,030,316, plus strand): 5'-GGGGGGCCCCGGGCGTGCTAGCCCCCAACCCTCGCCTCACTCCCCAGCCTTCGTGCCTGG[C>T]AGGAGCTGAGCCTCAAGGACCAGGAAAGGGTGGCCGAGGTGAGCAGGGTGCGCGTGGAGC-3'

ClinVar aggregate classification (germline): Likely benign (1 of 4 stars; one submission).

Conditions:
LRRC45-related disorder. Also called: LRRC45-related condition.

gnomAD v4.1: 14 of 1,548,510 alleles (0.0009%); highest among the groups gnomAD compares: Admixed American, 0.002%; no homozygotes.

Submission:

PreventionGenetics, part of Exact Sciences
Classification: Likely benign for LRRC45-related condition. Last evaluated: 2026-06-21. Review status: criteria provided, single submitter. Criteria: ACMG Guidelines, 2015. Collection method: clinical testing. Allele origin: germline.
Comment: This variant is classified as likely benign based on ACMG/AMP sequence variant interpretation guidelines (Richards et al. 2015 PMID: 25741868, with internal and published modifications).